The following is an entry in ClinVar:

NM_006245.4(PPP2R5D):c.1175A>C (p.Glu392Ala)

Gene: PPP2R5D (protein phosphatase 2 regulatory subunit B'delta; plus strand). Cytogenetic location: 6p21.1.
Variant type: single nucleotide variant.
Coding change: c.1175A>C on transcript NM_006245.4 (MANE Select); coding-DNA position 1175, A replaced by C.
Protein change: p.Glu392Ala; replaces glutamic acid 392 with alanine.
Molecular consequence: missense variant.
Genome position (GRCh38, 1-based): chr6:43,009,151, A>C. VCF-style: chr6-43009151-A-C. GRCh37 (hg19) VCF-style: chr6-42976889-A-C.
Other names: c.722A>C, p.Glu241Ala (NM_001270476.2); c.1079A>C, p.Glu360Ala (NM_180976.3); c.857A>C, p.Glu286Ala (NM_180977.3); short protein forms E241A, E286A, E360A, E392A.
Identifiers: ClinVar variation 1715176 (VCV001715176.5), dbSNP rs2532484401, ClinGen allele CA364193706.

ClinVar aggregate classification (germline): Uncertain significance (1 of 4 stars; one submission).

Submission:

Labcorp Genetics (formerly Invitae), Labcorp
Classification: Uncertain significance. Last evaluated: 2024-06-03. Review status: criteria provided, single submitter. Criteria: Invitae Variant Classification Sherloc (09022015). Collection method: clinical testing. Allele origin: germline.
Comment: This sequence change replaces glutamic acid, which is acidic and polar, with alanine, which is neutral and non-polar, at codon 392 of the PPP2R5D protein (p.Glu392Ala). This variant is not present in population databases (gnomAD no frequency). This variant has not been reported in the literature in individuals affected with PPP2R5D-related conditions. ClinVar contains an entry for this variant (Variation ID: 1715176). An algorithm developed to predict the effect of missense changes on protein structure and function (PolyPhen-2) suggests that this variant is likely to be disruptive. In summary, the available evidence is currently insufficient to determine the role of this variant in disease. Therefore, it has been classified as a Variant of Uncertain Significance.